The following is an entry in ClinVar:

ClinVar aggregate classification (germline): Uncertain significance. Review status: criteria provided, multiple submitters, no conflicts (2 of 4 stars). 2 submissions from 2 submitters: Uncertain significance (2). Last evaluated 2022-06-03.

Conditions:
Dilated cardiomyopathy 1DD (CMD1DD). Identifiers: Orphanet 154, MedGen C2750995, MONDO:0013168, OMIM 613172.

Allele frequency attached by ClinVar (database versions not stated): gnomAD exomes below 0.00001; TOPMed below 0.00001.

Submissions (2):

Labcorp Genetics (formerly Invitae), Labcorp
Classification: Uncertain significance for Dilated cardiomyopathy 1DD. Last evaluated: 2022-06-03. Review status: criteria provided, single submitter. Criteria: Invitae Variant Classification Sherloc (09022015). Collection method: clinical testing. Allele origin: germline.
Comment: Advanced modeling of protein sequence and biophysical properties (such as structural, functional, and spatial information, amino acid conservation, physicochemical variation, residue mobility, and thermodynamic stability) performed at Invitae indicates that this missense variant is not expected to disrupt RBM20 protein function. In summary, the available evidence is currently insufficient to determine the role of this variant in disease. Therefore, it has been classified as a Variant of Uncertain Significance. ClinVar contains an entry for this variant (Variation ID: 505314). This variant has not been reported in the literature in individuals affected with RBM20-related conditions. This variant is not present in population databases (gnomAD no frequency). This sequence change replaces proline, which is neutral and non-polar, with serine, which is neutral and polar, at codon 46 of the RBM20 protein (p.Pro46Ser).

Laboratory for Molecular Medicine, Mass General Brigham Personalized Medicine
Classification: Uncertain significance. Last evaluated: 2016-09-01. Review status: criteria provided, single submitter. Criteria: LMM Criteria. Collection method: clinical testing. Allele origin: germline. Observed: 1 variant allele.
Comment: The p.Pro46Ser variant in RBM20 has not been previously reported in individuals with cardiomyopathy. Data from large population studies is insufficient to asses s the frequency of this variant. Computational prediction tools and conservation analysis are limited for this variant. In summary, the clinical significance of the p.Pro46Ser variant is uncertain.

NM_001134363.3(RBM20):c.136C>T (p.Pro46Ser)

Gene: RBM20 (RNA binding motif protein 20; plus strand). Cytogenetic location: 10q25.2.
Variant type: single nucleotide variant.
Coding change: c.136C>T on transcript NM_001134363.3 (MANE Select); coding-DNA position 136, C replaced by T.
Protein change: p.Pro46Ser; replaces proline 46 with serine.
Molecular consequence: missense variant.
Genome position (GRCh38, 1-based): chr10:110,644,590, C>T. VCF-style: chr10-110644590-C-T. GRCh37 (hg19) VCF-style: chr10-112404348-C-T.
Other names: short protein forms P46S.
Identifiers: ClinVar variation 505314 (VCV000505314.9), dbSNP rs1554886574, ClinGen allele CA378527821.